The following is an entry in ClinVar:

ClinVar aggregate classification (germline): Uncertain significance (1 of 4 stars; one submission).

Conditions:
Autosomal dominant hypocalcemia 1 (HYPOC1). Also called: HYPOCALCEMIA, FAMILIAL. Identifiers: MedGen C3715128, MONDO:0011013, OMIM 601198.
Familial hypocalciuric hypercalcemia (FHH). Also called: Familial benign hypercalcemia. Identifiers: Orphanet 405, MedGen C1809471, MONDO:0018458.

gnomAD v4.1: 2 of 1,614,218 alleles (0.00012%); highest among the groups gnomAD compares: Non-Finnish European, 0.00017%; no homozygotes.

Submission:

Labcorp Genetics (formerly Invitae), Labcorp
Classification: Uncertain significance for Familial hypocalciuric hypercalcemia; Autosomal dominant hypocalcemia 1. Last evaluated: 2026-01-05. Review status: criteria provided, single submitter. Criteria: Invitae Variant Classification Sherloc (09022015). Collection method: clinical testing. Allele origin: germline.
Comment: This sequence change replaces alanine, which is neutral and non-polar, with serine, which is neutral and polar, at codon 548 of the CASR protein (p.Ala548Ser). This variant is present in population databases (rs200647941, gnomAD 0.0009%). This variant has not been reported in the literature in individuals affected with CASR-related conditions. ClinVar contains an entry for this variant (Variation ID: 836563). An algorithm developed to predict the effect of missense changes on protein structure and function (PolyPhen-2) suggests that this variant is likely to be tolerated. In summary, the available evidence is currently insufficient to determine the role of this variant in disease. Therefore, it has been classified as a Variant of Uncertain Significance.

NM_000388.4(CASR):c.1642G>T (p.Ala548Ser)

Gene: CASR (calcium sensing receptor; plus strand). Cytogenetic location: 3q21.1.
Variant type: single nucleotide variant.
Coding change: c.1642G>T on transcript NM_000388.4 (MANE Select); coding-DNA position 1642, G replaced by T.
Protein change: p.Ala548Ser; replaces alanine 548 with serine.
Molecular consequence: missense variant.
Genome position (GRCh38, 1-based): chr3:122,282,146, G>T. VCF-style: chr3-122282146-G-T. GRCh37 (hg19) VCF-style: chr3-122000993-G-T.
Other names: c.1672G>T, p.Ala558Ser (NM_001178065.2); short protein forms A548S, A558S.
Identifiers: ClinVar variation 836563 (VCV000836563.8), dbSNP rs200647941, ClinGen allele CA82747979.